The following is an entry in ClinVar:

ClinVar aggregate classification (germline): Likely benign. Review status: criteria provided, multiple submitters, no conflicts (2 of 4 stars). 2 submissions from 2 submitters: Likely benign (2). Last evaluated 2026-01-24.

Conditions:
Familial thoracic aortic aneurysm and aortic dissection (TAAD). Also called: Thoracic aortic aneurysms and dissections. Identifiers: Orphanet 91387, MedGen C4707243, MONDO:0019625.
Marfan syndrome (MFS). Also called: Marfan syndrome type 1; Marfan syndrome, classic; Marfan's syndrome; FBN1-Related Marfan Syndrome; MARFAN SYNDROME, TYPE I. Identifiers: Orphanet 284963, Orphanet 558, MedGen C0024796, MONDO:0007947, OMIM 154700.

Allele frequency attached by ClinVar (database versions not stated): TOPMed 0.00001.
gnomAD v4.1: 27 of 1,524,958 alleles (0.0018%); highest among the groups gnomAD compares: East Asian, 0.016%; no homozygotes.

Submissions (2):

Labcorp Genetics (formerly Invitae), Labcorp
Classification: Likely benign for Marfan syndrome; Familial thoracic aortic aneurysm and aortic dissection. Last evaluated: 2026-01-24. Review status: criteria provided, single submitter. Criteria: Invitae Variant Classification Sherloc (09022015). Collection method: clinical testing. Allele origin: germline.

GeneDx
Classification: Likely benign. Last evaluated: 2017-09-26. Review status: criteria provided, single submitter. Criteria: GeneDx Variant Classification (06012015). Collection method: clinical testing. Allele origin: germline. Affected: yes.
Comment: This variant is considered likely benign or benign based on one or more of the following criteria: it is a conservative change, it occurs at a poorly conserved position in the protein, it is predicted to be benign by multiple in silico algorithms, and/or has population frequency not consistent with disease.

NM_000138.5(FBN1):c.5788+15T>C

Gene: FBN1 (fibrillin 1; minus strand). Cytogenetic location: 15q21.1.
Variant type: single nucleotide variant.
Coding change: c.5788+15T>C on transcript NM_000138.5 (MANE Select); 15 bases into the intron after coding-DNA position 5788, T replaced by C.
Molecular consequence: intron variant.
Genome position (GRCh38, 1-based): chr15:48,446,691, A>G on the plus strand (T>C on the coding strand, the complement: FBN1 is on the minus strand). VCF-style: chr15-48446691-A-G. GRCh37 (hg19) VCF-style: chr15-48738888-A-G.
Identifiers: ClinVar variation 512381 (VCV000512381.5), dbSNP rs543458649, ClinGen allele CA055570.